The following is an entry in ClinVar:

NM_001232.4(CASQ2):c.939+23C>T

Gene: CASQ2 (calsequestrin 2; minus strand). Cytogenetic location: 1p13.1.
Variant type: single nucleotide variant.
Coding change: c.939+23C>T on transcript NM_001232.4 (MANE Select); 23 bases into the intron after coding-DNA position 939, C replaced by T.
Molecular consequence: intron variant.
Genome position (GRCh38, 1-based): chr1:115,705,169, G>A on the plus strand (C>T on the coding strand, the complement: CASQ2 is on the minus strand). VCF-style: chr1-115705169-G-A. GRCh37 (hg19) VCF-style: chr1-116247790-G-A.
Identifiers: ClinVar variation 257653 (VCV000257653.11), dbSNP rs3811003, ClinGen allele CA1023685.

ClinVar aggregate classification (germline): Benign. Review status: criteria provided, multiple submitters, no conflicts (2 of 4 stars). 7 submissions from 7 submitters: Benign (5). 2 of the submissions do not count toward it. Last evaluated 2026-09-21.

Conditions:
Catecholaminergic polymorphic ventricular tachycardia 2. Also called: CASQ2-Related Catecholaminergic Polymorphic Ventricular Tachycardia; VENTRICULAR TACHYCARDIA, STRESS-INDUCED POLYMORPHIC 2. Identifiers: Orphanet 3286, MedGen C2677794, MONDO:0012762, OMIM 611938.

Allele frequency attached by ClinVar (database versions not stated): ExAC 0.34862; 1000 Genomes Project 0.42871; gnomAD exomes 0.32494 and 0.34617; ESP Exome Variant Server 0.40120; 1000 Genomes Project 30x 0.43629; gnomAD 0.38926 and 0.39341; TOPMed 0.40088.
gnomAD v4.1: 478,639 of 1,440,028 alleles (33%); highest among the groups gnomAD compares: African/African-American, 56%; 83,796 homozygotes.

Submissions (7):

Molecular Diagnostic Laboratory for Inherited Cardiovascular Disease, Montreal Heart Institute
Classification: Benign. Last evaluated: 2026-09-21. Review status: criteria provided, single submitter. Criteria: ACMG Guidelines, 2015. Collection method: clinical testing. Allele origin: germline. Affected: no.
Comment: BA1

Genome-Nilou Lab
Classification: Benign for Catecholaminergic polymorphic ventricular tachycardia 2. Last evaluated: 2023-04-11. Review status: criteria provided, single submitter. Criteria: ACMG Guidelines, 2015. Collection method: clinical testing. Allele origin: germline. Affected: no.

GeneDx
Classification: Benign. Last evaluated: 2018-06-26. Review status: criteria provided, single submitter. Criteria: GeneDx Variant Classification Process June 2021. Collection method: clinical testing. Allele origin: germline. Affected: yes.

Breakthrough Genomics
Classification: Benign. Review status: criteria provided, single submitter. Criteria: ACMG Guidelines, 2015. Collection method: not provided. Allele origin: germline. Inheritance: Autosomal recessive inheritance. Affected: yes.

PreventionGenetics, part of Exact Sciences
Classification: Benign. Review status: criteria provided, single submitter. Criteria: ACMG Guidelines, 2015. Collection method: clinical testing. Allele origin: germline.

Clinical Genetics DNA and cytogenetics Diagnostics Lab, Erasmus MC, Erasmus Medical Center
Classification: Benign. Review status: no assertion criteria provided. Collection method: clinical testing. Allele origin: germline. Affected: yes. Study: VKGL Data-share Consensus. Not counted in ClinVar's aggregate classification.

Joint Genome Diagnostic Labs from Nijmegen and Maastricht, Radboudumc and MUMC+
Classification: Benign. Review status: no assertion criteria provided. Collection method: clinical testing. Allele origin: germline. Affected: yes. Study: VKGL Data-share Consensus. Not counted in ClinVar's aggregate classification.